The following is an entry in ClinVar:

NM_001931.5(DLAT):c.975G>A (p.Pro325=)

Gene: DLAT (dihydrolipoamide S-acetyltransferase; plus strand). Cytogenetic location: 11q23.1.
Variant type: single nucleotide variant.
Coding change: c.975G>A on transcript NM_001931.5 (MANE Select); coding-DNA position 975, G replaced by A.
Protein change: p.Pro325=; no amino-acid change (proline 325 retained).
Molecular consequence: synonymous variant. On other transcripts: intron variant (2).
Genome position (GRCh38, 1-based): chr11:112,037,460, G>A. VCF-style: chr11-112037460-G-A. GRCh37 (hg19) VCF-style: chr11-111908184-G-A.
Other names: c.975G>A, p.Pro325= (NM_001372031.1, NM_001372032.1, NM_001372033.1 and 1 more transcripts); c.942G>A, p.Pro314= (NM_001372034.1); c.849G>A, p.Pro283= (NM_001372036.1); c.807G>A, p.Pro269= (NM_001372037.1); c.696G>A, p.Pro232= (NM_001372038.1); c.594G>A, p.Pro198= (NM_001372040.1); c.513G>A, p.Pro171= (NM_001372042.1); c.661-1784G>A (NM_001372039.1, NM_001372041.1).
Identifiers: ClinVar variation 1252016 (VCV001252016.2), dbSNP rs1432866316, ClinGen allele CA476790581.

ClinVar aggregate classification (germline): Likely pathogenic. Review status: criteria provided, single submitter (1 of 4 stars). 2 submissions from 1 submitter: Likely pathogenic (1). 1 of the submissions does not count toward it. Last evaluated 2024-03-14.

Conditions:
Pyruvate dehydrogenase E2 deficiency (PDHDD). Also called: Dihydrolipoamide Acetyltransferase (E2) Deficiency; LACTIC ACIDEMIA DUE TO DEFECT OF E2 LIPOYL TRANSACETYLASE OF THE PYRUVATE DEHYDROGENASE COMPLEX. Identifiers: Orphanet 765, Orphanet 79244, MedGen C1855565, MONDO:0009502, OMIM 245348.

Allele frequency attached by ClinVar (database versions not stated): gnomAD 0.00001; TOPMed 0.00001.
gnomAD v4.1: 11 of 1,613,874 alleles (0.00068%); highest among the groups gnomAD compares: Non-Finnish European, 0.00093%; no homozygotes.

Submissions (2):

Genomic Medicine Center of Excellence, King Faisal Specialist Hospital and Research Centre
Classification: Likely pathogenic for Pyruvate dehydrogenase E2 deficiency. Last evaluated: 2024-03-14. Review status: criteria provided, single submitter. Criteria: ACMG Guidelines, 2015. Collection method: clinical testing. Allele origin: germline.

Genomic Medicine Center of Excellence, King Faisal Specialist Hospital and Research Centre
Classification: Pathogenic for Pyruvate dehydrogenase E2 deficiency. Last evaluated: 2021-04-29. Review status: flagged submission. Collection method: research. Allele origin: germline. Affected: no. Not counted in ClinVar's aggregate classification.
ClinVar note: Reason: This record appears to be redundant with a more recent record from the same submitter.
ClinVar note: Notes: SCV001870455 appears to be redundant with SCV005016555.